The following is an entry in ClinVar:

ClinVar aggregate classification (germline): Uncertain significance (1 of 4 stars; one submission).

Submission:

Women's Health and Genetics/Laboratory Corporation of America, LabCorp
Classification: Uncertain significance. Last evaluated: 2023-05-19. Review status: criteria provided, single submitter. Criteria: LabCorp Variant Classification Summary - May 2015. Collection method: clinical testing. Allele origin: germline.
Comment: Variant summary: PCLO c.1229C>G (p.Pro410Arg) results in a non-conservative amino acid change in the encoded protein sequence. Three of five in-silico tools predict a benign effect of the variant on protein function. The variant was absent in 248826 control chromosomes (gnomAD). The available data on variant occurrences in the general population are insufficient to allow any conclusion about variant significance. To our knowledge, no occurrence of c.1229C>G in individuals affected with Pontocerebellar Hypoplasia Type 3 and no experimental evidence demonstrating its impact on protein function have been reported. No clinical diagnostic laboratories have submitted clinical-significance assessments for this variant to ClinVar after 2014. Based on the evidence outlined above, the variant was classified as uncertain significance.

NM_033026.6(PCLO):c.1229C>G (p.Pro410Arg)

Gene: PCLO (piccolo presynaptic cytomatrix protein; minus strand). Cytogenetic location: 7q21.11.
Variant type: single nucleotide variant.
Coding change: c.1229C>G on transcript NM_033026.6 (MANE Select); coding-DNA position 1229, C replaced by G.
Protein change: p.Pro410Arg; replaces proline 410 with arginine.
Molecular consequence: missense variant.
Genome position (GRCh38, 1-based): chr7:83,155,412, G>C on the plus strand (C>G on the coding strand, the complement: PCLO is on the minus strand). VCF-style: chr7-83155412-G-C. GRCh37 (hg19) VCF-style: chr7-82784728-G-C.
Other names: c.1229C>G, p.Pro410Arg (NM_014510.3); short protein forms P410R.
Identifiers: ClinVar variation 2506070 (VCV002506070.1), dbSNP rs866384798, ClinGen allele CA367914946.